The following is an entry in ClinVar:

NM_014698.3(TMEM63A):c.2165A>C (p.His722Pro)

Gene: TMEM63A (transmembrane protein 63A; minus strand). Cytogenetic location: 1q42.12.
Variant type: single nucleotide variant.
Coding change: c.2165A>C on transcript NM_014698.3 (MANE Select); coding-DNA position 2165, A replaced by C.
Protein change: p.His722Pro; replaces histidine 722 with proline.
Molecular consequence: missense variant.
Genome position (GRCh38, 1-based): chr1:225,848,919, T>G on the plus strand (A>C on the coding strand, the complement: TMEM63A is on the minus strand). VCF-style: chr1-225848919-T-G. GRCh37 (hg19) VCF-style: chr1-226036620-T-G.
Other names: short protein forms H722P.
Identifiers: ClinVar variation 3366341 (VCV003366341.1).

ClinVar aggregate classification (germline): Uncertain significance (1 of 4 stars; one submission).

Submission:

Women's Health and Genetics/Laboratory Corporation of America, LabCorp
Classification: Uncertain significance. Last evaluated: 2024-08-29. Review status: criteria provided, single submitter. Criteria: LabCorp Variant Classification Summary - May 2015. Collection method: clinical testing. Allele origin: germline.
Comment: Variant summary: TMEM63A c.2165A>C (p.His722Pro) results in a non-conservative amino acid change in the encoded protein sequence. Three of five in-silico tools predict a damaging effect of the variant on protein function. The variant was absent in 220658 control chromosomes. The available data on variant occurrences in the general population are insufficient to allow any conclusion about variant significance. To our knowledge, no occurrence of c.2165A>C in individuals affected with Leukodystrophy, Hypomyelinating, 19, Transient Infantile and no experimental evidence demonstrating its impact on protein function have been reported. No submitters have cited clinical-significance assessments for this variant to ClinVar. Based on the evidence outlined above, the variant was classified as uncertain significance.